The following is an entry in ClinVar:

ClinVar aggregate classification (germline): Uncertain significance. Review status: criteria provided, single submitter (1 of 4 stars). 2 submissions from 2 submitters: Uncertain significance (1). 1 of the submissions does not count toward it. Last evaluated 2018-01-13.

Conditions:
FGB-related disorder. Also called: FGB-related condition.
Congenital afibrinogenemia. Identifiers: Orphanet 335, Orphanet 98880, MedGen C2584774, MONDO:0008737, OMIM 202400.

Allele frequency attached by ClinVar (database versions not stated): gnomAD 0.00001 and 0.00008; TOPMed 0.00003; gnomAD exomes 0.00015 and 0.00030; 1000 Genomes Project 30x 0.00016; 1000 Genomes Project 0.00020; ExAC 0.00032.
gnomAD v4.1: 226 of 1,608,872 alleles (0.014%); highest among the groups gnomAD compares: South Asian, 0.23%; 2 homozygotes.

Submissions (2):

Illumina Laboratory Services, Illumina
Classification: Uncertain significance for Congenital afibrinogenemia. Last evaluated: 2018-01-13. Review status: criteria provided, single submitter. Criteria: ICSL Variant Classification Criteria 13 December 2019. Collection method: clinical testing. Allele origin: germline.

PreventionGenetics, part of Exact Sciences
Classification: Likely benign for FGB-related condition. Last evaluated: 2022-03-21. Review status: no assertion criteria provided. Collection method: clinical testing. Allele origin: germline. Not counted in ClinVar's aggregate classification.
Comment: This variant is classified as likely benign based on ACMG/AMP sequence variant interpretation guidelines (Richards et al. 2015 PMID: 25741868, with internal and published modifications).

NM_005141.5(FGB):c.762G>A (p.Met254Ile)

Gene: FGB (fibrinogen beta chain; plus strand). Cytogenetic location: 4q31.3.
Variant type: single nucleotide variant.
Coding change: c.762G>A on transcript NM_005141.5 (MANE Select); coding-DNA position 762, G replaced by A.
Protein change: p.Met254Ile; replaces methionine 254 with isoleucine.
Molecular consequence: missense variant.
Genome position (GRCh38, 1-based): chr4:154,568,424, G>A. VCF-style: chr4-154568424-G-A. GRCh37 (hg19) VCF-style: chr4-155489576-G-A.
Other names: c.585G>A, p.Met195Ile (NM_001184741.1); short protein forms M254I, M195I.
Identifiers: ClinVar variation 902863 (VCV000902863.6), dbSNP rs201536638, ClinGen allele CA3114623.